The following is an entry in ClinVar:

ClinVar aggregate classification (germline): Benign (0 of 4 stars; one submission).

Conditions:
KALRN-related disorder. Also called: KALRN-related condition.

Allele frequency attached by ClinVar (database versions not stated): gnomAD exomes 0.54790; ExAC 0.55917; 1000 Genomes Project 0.60104; gnomAD 0.60496; 1000 Genomes Project 30x 0.60618; TOPMed 0.62211; ESP Exome Variant Server 0.63194.
gnomAD v4.1: 883,136 of 1,594,612 alleles (55%); highest among the groups gnomAD compares: African/African-American, 76%; 248,499 homozygotes.

Submission:

PreventionGenetics, part of Exact Sciences
Classification: Benign for KALRN-related condition. Last evaluated: 2019-10-17. Review status: no assertion criteria provided. Collection method: clinical testing. Allele origin: germline.
Comment: This variant is classified as benign based on ACMG/AMP sequence variant interpretation guidelines (Richards et al. 2015 PMID: 25741868, with internal and published modifications).

NM_001388419.1(KALRN):c.6264T>C (p.Ile2088=)

Gene: KALRN (kalirin RhoGEF kinase; plus strand). Cytogenetic location: 3q21.2.
Variant type: single nucleotide variant.
Coding change: c.6264T>C on transcript NM_001388419.1 (MANE Select); coding-DNA position 6264, T replaced by C.
Protein change: p.Ile2088=; no amino-acid change (isoleucine 2088 retained).
Molecular consequence: synonymous variant. On other transcripts: intron variant (1).
Genome position (GRCh38, 1-based): chr3:124,660,970, T>C. VCF-style: chr3-124660970-T-C. GRCh37 (hg19) VCF-style: chr3-124379817-T-C.
Other names: c.6261T>C, p.Ile2087= (NM_001024660.5); c.6258T>C, p.Ile2086= (NM_001322988.2); c.1170T>C, p.Ile390= (NM_001322993.2, NM_001322995.2, NM_001322996.2 and 1 more transcripts); c.1167T>C, p.Ile389= (NM_001322997.2); c.1074T>C, p.Ile358= (NM_001322998.2, NM_001323000.2); c.1071T>C, p.Ile357= (NM_001322999.2, NM_001323001.2); c.4338T>C, p.Ile1446= (NM_001388412.1); c.1120-39T>C (NM_001322994.2).
Identifiers: ClinVar variation 3059744 (VCV003059744.2), dbSNP rs333289, ClinGen allele CA2580746.
Genomic context (GRCh38, chr3:124,660,970, plus strand): 5'-CCCTACTTGTTAGGACTTCCTGAGATACAGTGAGAAGGCTGGTTTGGAGTGTTCAGATAT[T>C]GAGGTGAGTTTTCTGCTTGTAATGCTTGCTGTTCTTAGGGACCATATTGGATATCTTTCT-3'
Protein context (NP_001375348.1, residues 2078-2098): SEKAGLECSD[Ile2088=]EKAVELMCLV